The following is an entry in ClinVar:

NM_000143.4(FH):c.988A>G (p.Thr330Ala)

Gene: FH (fumarate hydratase; minus strand). Cytogenetic location: 1q43.
Variant type: single nucleotide variant.
Coding change: c.988A>G on transcript NM_000143.4 (MANE Select); coding-DNA position 988, A replaced by G.
Protein change: p.Thr330Ala; replaces threonine 330 with alanine.
Molecular consequence: missense variant.
Genome position (GRCh38, 1-based): chr1:241,504,162, T>C on the plus strand (A>G on the coding strand, the complement: FH is on the minus strand). VCF-style: chr1-241504162-T-C. GRCh37 (hg19) VCF-style: chr1-241667462-T-C.
Other names: short protein forms T330A.
Identifiers: ClinVar variation 847461 (VCV000847461.12), dbSNP rs776313200, ClinGen allele CA1478561.

ClinVar aggregate classification (germline): Uncertain significance. Review status: criteria provided, multiple submitters, no conflicts (2 of 4 stars). 2 submissions from 2 submitters: Uncertain significance (2). Last evaluated 2025-02-02.

Conditions:
Hereditary cancer-predisposing syndrome. Also called: Tumor predisposition; Hereditary neoplastic syndrome; Neoplastic Syndromes, Hereditary; Hereditary Cancer Syndrome. Identifiers: Orphanet 140162, MedGen C0027672, MeSH D009386, MONDO:0015356.

Allele frequency attached by ClinVar (database versions not stated): ExAC 0.00002.
gnomAD v4.1: 43 of 1,614,212 alleles (0.0027%); highest among the groups gnomAD compares: Non-Finnish European, 0.0036%; no homozygotes.

Submissions (2):

Ambry Genetics
Classification: Uncertain significance for Hereditary cancer-predisposing syndrome. Last evaluated: 2025-02-02. Review status: criteria provided, single submitter. Criteria: Ambry Variant Classification Scheme 2023. Collection method: clinical testing. Allele origin: germline.
Comment: The p.T330A variant (also known as c.988A>G), located in coding exon 7 of the FH gene, results from an A to G substitution at nucleotide position 988. The threonine at codon 330 is replaced by alanine, an amino acid with similar properties. This amino acid position is highly conserved in available vertebrate species. In addition, this alteration is predicted to be deleterious by in silico analysis. Based on the available evidence, the clinical significance of this variant remains unclear.

Labcorp Genetics (formerly Invitae), Labcorp
Classification: Uncertain significance. Last evaluated: 2024-11-03. Review status: criteria provided, single submitter. Criteria: Invitae Variant Classification Sherloc (09022015). Collection method: clinical testing. Allele origin: germline.
Comment: This sequence change replaces threonine, which is neutral and polar, with alanine, which is neutral and non-polar, at codon 330 of the FH protein (p.Thr330Ala). This variant is present in population databases (rs776313200, gnomAD 0.003%). This variant has not been reported in the literature in individuals affected with FH-related conditions. ClinVar contains an entry for this variant (Variation ID: 847461). Invitae Evidence Modeling of protein sequence and biophysical properties (such as structural, functional, and spatial information, amino acid conservation, physicochemical variation, residue mobility, and thermodynamic stability) has been performed for this missense variant. However, the output from this modeling did not meet the statistical confidence thresholds required to predict the impact of this variant on FH protein function. This variant disrupts the p.Thr330 amino acid residue in FH. Other variant(s) that disrupt this residue have been determined to be pathogenic (PMID: 16309500, 16403393, 31444830, 34654685; internal data). This suggests that this residue is clinically significant, and that variants that disrupt this residue are likely to be disease-causing. In summary, the available evidence is currently insufficient to determine the role of this variant in disease. Therefore, it has been classified as a Variant of Uncertain Significance.

Literature cited by the submitters: PubMed 16309500 (cited by Labcorp Genetics (formerly Invitae), Labcorp); PubMed 16403393 (cited by Labcorp Genetics (formerly Invitae), Labcorp); PubMed 31444830 (cited by Labcorp Genetics (formerly Invitae), Labcorp); PubMed 34654685 (cited by Labcorp Genetics (formerly Invitae), Labcorp).